The following is an entry in ClinVar:

ClinVar aggregate classification (germline): Likely pathogenic (1 of 4 stars; one submission).

Conditions:
Dilated cardiomyopathy 1G (CMD1G). Identifiers: Orphanet 154, MedGen C1858763, MONDO:0011400, OMIM 604145.
Autosomal recessive limb-girdle muscular dystrophy type 2J (LGMDR10). Also called: Limb-girdle muscular dystrophy, type 2J; MUSCULAR DYSTROPHY, LIMB-GIRDLE, AUTOSOMAL RECESSIVE 10. Identifiers: Orphanet 140922, MedGen C1837342, MONDO:0012127, OMIM 608807.

Submission:

Labcorp Genetics (formerly Invitae), Labcorp
Classification: Likely pathogenic for Dilated cardiomyopathy 1G; Autosomal recessive limb-girdle muscular dystrophy type 2J. Last evaluated: 2024-03-12. Review status: criteria provided, single submitter. Criteria: Invitae Variant Classification Sherloc (09022015). Collection method: clinical testing. Allele origin: germline.
Comment: This sequence change affects an acceptor splice site in intron 247 of the TTN gene. It is expected to disrupt RNA splicing and likely results in a truncated or disrupted TTN protein. This variant is not present in population databases (gnomAD no frequency). This variant has not been reported in the literature in individuals affected with TTN-related conditions. Algorithms developed to predict the effect of sequence changes on RNA splicing suggest that this variant may disrupt the consensus splice site. This variant is located in the I band of TTN (PMID: 25589632). Truncating variants in this region have been reported in individuals affected with autosomal recessive centronuclear myopathy (PMID: 23975875, Invitae internal data). Truncating variants in this region have also been identified in individuals affected with autosomal dominant dilated cardiomyopathy and/or cardio-related conditions (PMID: 27869827, 32964742, Invitae internal data). In summary, the currently available evidence indicates that the variant is pathogenic, but additional data are needed to prove that conclusively. Therefore, this variant has been classified as Likely Pathogenic.

Literature cited by the submitters: PubMed 25589632; PubMed 23975875; PubMed 27869827; PubMed 32964742.

NM_001267550.2(TTN):c.45896-1G>A

Gene: TTN (titin; minus strand). Cytogenetic location: 2q31.2.
Variant type: single nucleotide variant.
Coding change: c.45896-1G>A on transcript NM_001267550.2 (MANE Select); the canonical splice acceptor site of the intron before coding-DNA position 45896, G replaced by A.
Molecular consequence: splice acceptor variant.
Genome position (GRCh38, 1-based): chr2:178,620,626, C>T on the plus strand (G>A on the coding strand, the complement: TTN is on the minus strand). VCF-style: chr2-178620626-C-T. GRCh37 (hg19) VCF-style: chr2-179485353-C-T.
Other names: c.18701-1G>A (NM_003319.4); c.19277-1G>A (NM_133437.4); c.19076-1G>A (NM_133432.3); c.38192-1G>A (NM_133378.4); c.40973-1G>A (NM_001256850.1).
Identifiers: ClinVar variation 3755244 (VCV003755244.2).
Genomic context (GRCh38, chr2:178,620,626, plus strand): 5'-CAGATTTCTTCTCCATTGTTTCAATATCTTTAAGAGGCTCAACAATCCTAAGGTCTTCCT[C>T]TGTTGTAAAGGAGAAAAATATGTTGATTTTAATTATTTTTATAACAGAAACTGATGAAAA-3'